The following is an entry in ClinVar:

ClinVar aggregate classification (germline): Uncertain significance (1 of 4 stars; one submission).

Conditions:
Fanconi anemia complementation group J. Also called: BRIP1-Related Fanconi Anemia. Identifiers: Orphanet 84, MedGen C1836860, MONDO:0012187, OMIM 609054.
Familial cancer of breast. Also called: hereditary breast carcinoma; Hereditary breast cancer; BREAST CANCER, FAMILIAL. Identifiers: Orphanet 227535, MedGen C0346153, MONDO:0016419, OMIM 114480. Disease mechanism: loss of function.

Submission:

Labcorp Genetics (formerly Invitae), Labcorp
Classification: Uncertain significance for Familial cancer of breast; Fanconi anemia complementation group J. Last evaluated: 2020-06-15. Review status: criteria provided, single submitter. Criteria: Invitae Variant Classification Sherloc (09022015). Collection method: clinical testing. Allele origin: germline.
Comment: In summary, the available evidence is currently insufficient to determine the role of this variant in disease. Therefore, it has been classified as a Variant of Uncertain Significance. Algorithms developed to predict the effect of sequence changes on RNA splicing suggest that this variant may disrupt the consensus splice site, but this prediction has not been confirmed by published transcriptional studies. Algorithms developed to predict the effect of missense changes on protein structure and function are either unavailable or do not agree on the potential impact of this missense change (SIFT: "Tolerated"; PolyPhen-2: "Probably Damaging"; Align-GVGD: "Class C0"). This variant has not been reported in the literature in individuals with BRIP1-related conditions. This variant is not present in population databases (ExAC no frequency). This sequence change replaces alanine with serine at codon 599 of the BRIP1 protein (p.Ala599Ser). The alanine residue is highly conserved and there is a moderate physicochemical difference between alanine and serine.

NM_032043.3(BRIP1):c.1795G>T (p.Ala599Ser)

Gene: BRIP1 (BRCA1 interacting DNA helicase 1; minus strand). Cytogenetic location: 17q23.2.
Variant type: single nucleotide variant.
Coding change: c.1795G>T on transcript NM_032043.3 (MANE Select); coding-DNA position 1795, G replaced by T.
Protein change: p.Ala599Ser; replaces alanine 599 with serine.
Molecular consequence: missense variant.
Genome position (GRCh38, 1-based): chr17:61,780,401, C>A on the plus strand (G>T on the coding strand, the complement: BRIP1 is on the minus strand). VCF-style: chr17-61780401-C-A. GRCh37 (hg19) VCF-style: chr17-59857762-C-A.
Other names: short protein forms A599S.
Identifiers: ClinVar variation 1052626 (VCV001052626.10), dbSNP rs2145081985, ClinGen allele CA400480232.
Genomic context (GRCh38, chr17:61,780,401, plus strand): 5'-GTGATAATGTACCAGATGTCAAAACAATGGTCTGAACTTTGCCATTAATATCTGAAAAGG[C>A]CTAAAAGAAAACAACATTAGATAAATAAAATTATCTTTAGAAGAGGCTGGGCAAAGTGGC-3'
Protein context (NP_114432.2, residues 589-609): LNFWCLNPAV[Ala599Ser]FSDINGKVQT